The following is an entry in ClinVar:

ClinVar aggregate classification (germline): Uncertain significance (1 of 4 stars; one submission).

Allele frequency attached by ClinVar (database versions not stated): gnomAD exomes below 0.00001; TOPMed below 0.00001; gnomAD 0.00001.
gnomAD v4.1: 3 of 1,613,848 alleles (0.00019%); highest among the groups gnomAD compares: Non-Finnish European, 0.00025%; no homozygotes.

Submission:

Labcorp Genetics (formerly Invitae), Labcorp
Classification: Uncertain significance. Last evaluated: 2023-10-11. Review status: criteria provided, single submitter. Criteria: Invitae Variant Classification Sherloc (09022015). Collection method: clinical testing. Allele origin: germline.
Comment: This sequence change replaces isoleucine, which is neutral and non-polar, with valine, which is neutral and non-polar, at codon 27 of the RPL31 protein (p.Ile27Val). This variant is present in population databases (no rsID available, gnomAD 0.0009%). This variant has not been reported in the literature in individuals affected with RPL31-related conditions. An algorithm developed to predict the effect of missense changes on protein structure and function (PolyPhen-2) suggests that this variant is likely to be tolerated. In summary, the available evidence is currently insufficient to determine the role of this variant in disease. Therefore, it has been classified as a Variant of Uncertain Significance.

NM_000993.5(RPL31):c.79A>G (p.Ile27Val)

Gene: RPL31 (ribosomal protein L31; plus strand). Cytogenetic location: 2q11.2.
Variant type: single nucleotide variant.
Coding change: c.79A>G on transcript NM_000993.5 (MANE Select); coding-DNA position 79, A replaced by G.
Protein change: p.Ile27Val; replaces isoleucine 27 with valine.
Molecular consequence: missense variant.
Genome position (GRCh38, 1-based): chr2:101,002,780, A>G. VCF-style: chr2-101002780-A-G. GRCh37 (hg19) VCF-style: chr2-101619242-A-G.
Other names: c.79A>G, p.Ile27Val (NM_001098577.3, NM_001098578.1, NM_001099693.2); short protein forms I27V.
Identifiers: ClinVar variation 2784148 (VCV002784148.3), dbSNP rs1233456630, ClinGen allele CA347900956.